The following is an entry in ClinVar:

NM_002439.5(MSH3):c.814A>C (p.Ile272Leu)

Gene: MSH3 (mutS homolog 3; plus strand). Cytogenetic location: 5q14.1.
Variant type: single nucleotide variant.
Coding change: c.814A>C on transcript NM_002439.5 (MANE Select); coding-DNA position 814, A replaced by C.
Protein change: p.Ile272Leu; replaces isoleucine 272 with leucine.
Molecular consequence: missense variant.
Genome position (GRCh38, 1-based): chr5:80,672,265, A>C. VCF-style: chr5-80672265-A-C. GRCh37 (hg19) VCF-style: chr5-79968084-A-C.
Other names: short protein forms I272L.
Identifiers: ClinVar variation 3648306 (VCV003648306.2).

ClinVar aggregate classification (germline): Uncertain significance (1 of 4 stars; one submission).

Submission:

Labcorp Genetics (formerly Invitae), Labcorp
Classification: Uncertain significance. Last evaluated: 2024-04-01. Review status: criteria provided, single submitter. Criteria: Invitae Variant Classification Sherloc (09022015). Collection method: clinical testing. Allele origin: germline.
Comment: This sequence change replaces isoleucine, which is neutral and non-polar, with leucine, which is neutral and non-polar, at codon 272 of the MSH3 protein (p.Ile272Leu). This variant is not present in population databases (gnomAD no frequency). This variant has not been reported in the literature in individuals affected with MSH3-related conditions. An algorithm developed to predict the effect of missense changes on protein structure and function (PolyPhen-2) suggests that this variant is likely to be disruptive. In summary, the available evidence is currently insufficient to determine the role of this variant in disease. Therefore, it has been classified as a Variant of Uncertain Significance.